The following is an entry in ClinVar:

NM_001085458.2(CTNND1):c.1889C>T (p.Ser630Phe)

Genes: CTNND1 (catenin delta 1; plus strand), TMX2-CTNND1 (TMX2-CTNND1 readthrough (NMD candidate); plus strand). Cytogenetic location: 11q12.1.
Variant type: single nucleotide variant.
Coding change: c.1889C>T on transcript NM_001085458.2 (MANE Select); coding-DNA position 1889, C replaced by T.
Protein change: p.Ser630Phe; replaces serine 630 with phenylalanine.
Molecular consequence: missense variant. On other transcripts: non-coding transcript variant (1), intron variant (16).
Genome position (GRCh38, 1-based): chr11:57,806,473, C>T. VCF-style: chr11-57806473-C-T. GRCh37 (hg19) VCF-style: chr11-57573945-C-T.
Other names: c.1586C>T, p.Ser529Phe (NM_001085463.2, NM_001085466.2); c.1727C>T, p.Ser576Phe (NM_001206883.2, NM_001206884.2); c.1889C>T, p.Ser630Phe (NM_001206885.2); c.1876+438C>T (NM_001085459.2, NM_001085461.2, NM_001331.3 and 2 more transcripts); c.1714+438C>T (NM_001206891.2, NM_001206889.2, NM_001206886.2 and 2 more transcripts); c.1573+438C>T (NM_001085467.2, NM_001206890.2, NM_001085464.2 and 3 more transcripts); short protein forms S529F, S576F, S630F.
Identifiers: ClinVar variation 3254542 (VCV003254542.2), dbSNP rs2497548747.

ClinVar aggregate classification (germline): Uncertain significance. Review status: criteria provided, multiple submitters, no conflicts (2 of 4 stars). 2 submissions from 2 submitters: Uncertain significance (2). Last evaluated 2024-01-23.

Conditions:
Blepharocheilodontic syndrome 2 (BCDS2). Identifiers: MedGen C4540127, MONDO:0040503, OMIM 617681.

gnomAD v4.1: 15 of 1,603,338 alleles (0.00094%); highest among the groups gnomAD compares: Non-Finnish European, 0.0013%; no homozygotes.

Submissions (2):

Blueprint Genetics
Classification: Uncertain significance. Last evaluated: 2024-01-23. Review status: criteria provided, single submitter. Criteria: ACMG Guidelines, 2015. Collection method: clinical testing. Allele origin: germline.

Victorian Clinical Genetics Services, Murdoch Childrens Research Institute
Classification: Uncertain significance for Blepharocheilodontic syndrome 2. Last evaluated: 2023-07-17. Review status: criteria provided, single submitter. Criteria: ACMG Guidelines, 2015. Collection method: clinical testing. Allele origin: germline. Inheritance: Autosomal dominant inheritance. Affected: yes.
Comment: Based on the classification scheme VCGS_Germline_v1.3.4, this variant is classified as VUS-3B. Following criteria are met: 0102 - Loss of function is a known mechanism of disease in this gene and is associated with blepharocheilodontic syndrome 2 (MIM#617681). (I) 0107 - This gene is associated with autosomal dominant disease. (I) 0200 - Variant is predicted to result in a missense amino acid change from serine to phenylalanine. (I) 0219 - This variant is non-coding in an alternative transcript. This variant is non-coding in 16 of 22 transcripts; however, it is coding in the ClinVar predominant and MANE select transcript. This exon is known to be alternatively spliced and its inclusion disrupts a nuclear localisation signal (PMIDs: 29805042, 32196547). However, the exon containing this variant has no variants reported in ClinVar and is not highly expressed in GTEx. (I) 0251 - This variant is heterozygous. (I) 0301 - Variant is absent from gnomAD (both v2 and v3). (SP) 0502 - Missense variant with conflicting in silico predictions and uninformative conservation. (I) 0604 - Variant is not located in an established domain, motif, hotspot or informative constraint region. (I) 0705 - No comparable missense variants have previous evidence for pathogenicity. (I) 0807 - This variant has no previous evidence of pathogenicity. (I) 0905 - No published segregation evidence has been identified for this variant. (I) 1007 - No published functional evidence has been identified for this variant. (I) 1208 - Inheritance information for this variant is not currently available in this individual. (I) Legend: (SP) - Supporting pathogenic, (I) - Information, (SB) - Supporting benign

Literature cited by the submitters: PubMed 29805042 (cited by Victorian Clinical Genetics Services, Murdoch Childrens Research Institute); PubMed 32196547 (cited by Victorian Clinical Genetics Services, Murdoch Childrens Research Institute).